The following is an entry in ClinVar:

NM_001354930.2(RIPK1):c.1217A>C (p.Asn406Thr)

Gene: RIPK1 (receptor interacting serine/threonine kinase 1; plus strand). Cytogenetic location: 6p25.2.
Variant type: single nucleotide variant.
Coding change: c.1217A>C on transcript NM_001354930.2 (MANE Select); coding-DNA position 1217, A replaced by C.
Protein change: p.Asn406Thr; replaces asparagine 406 with threonine.
Molecular consequence: missense variant.
Genome position (GRCh38, 1-based): chr6:3,105,692, A>C. VCF-style: chr6-3105692-A-C. GRCh37 (hg19) VCF-style: chr6-3105926-A-C.
Other names: c.728A>C, p.Asn243Thr (NM_001317061.3, NM_001354932.2, NM_001354933.2 and 1 more transcripts); c.1079A>C, p.Asn360Thr (NM_001354931.2); c.1217A>C, p.Asn406Thr (NM_003804.6); short protein forms N243T, N360T, N406T.
Identifiers: ClinVar variation 3623323 (VCV003623323.2).

ClinVar aggregate classification (germline): Uncertain significance (1 of 4 stars; one submission).

Submission:

Labcorp Genetics (formerly Invitae), Labcorp
Classification: Uncertain significance. Last evaluated: 2025-01-01. Review status: criteria provided, single submitter. Criteria: Invitae Variant Classification Sherloc (09022015). Collection method: clinical testing. Allele origin: germline.
Comment: This sequence change replaces asparagine, which is neutral and polar, with threonine, which is neutral and polar, at codon 406 of the RIPK1 protein (p.Asn406Thr). This variant is not present in population databases (gnomAD no frequency). This variant has not been reported in the literature in individuals affected with RIPK1-related conditions. An algorithm developed to predict the effect of missense changes on protein structure and function (PolyPhen-2) suggests that this variant is likely to be tolerated. In summary, the available evidence is currently insufficient to determine the role of this variant in disease. Therefore, it has been classified as a Variant of Uncertain Significance.